The following is an entry in ClinVar:

ClinVar aggregate classification (germline): Uncertain significance. Review status: criteria provided, multiple submitters, no conflicts (2 of 4 stars). 3 submissions from 3 submitters: Uncertain significance (3). Last evaluated 2025-12-02.

Conditions:
VPS13B-related disorder. Also called: VPS13B-related condition.
Inborn genetic diseases. Identifiers: MedGen C0950123, MeSH D030342.
Cohen syndrome (COH1). Also called: PEPPER SYNDROME; Cutis verticis gyrata, retinitis pigmentosa, and sensorineural deafness. Identifiers: Orphanet 193, MedGen C0265223, MONDO:0008999, OMIM 216550.

gnomAD v4.1: 9 of 1,613,808 alleles (0.00056%); highest among the groups gnomAD compares: Admixed American, 0.0017%; no homozygotes.

Submissions (3):

PreventionGenetics, part of Exact Sciences
Classification: Uncertain significance for VPS13B-related condition. Last evaluated: 2025-12-02. Review status: criteria provided, single submitter. Criteria: ACMG Guidelines, 2015. Collection method: clinical testing. Allele origin: germline.
Comment: The VPS13B c.4522C>T variant is predicted to result in the amino acid substitution p.Pro1508Ser. To our knowledge, this variant has not been reported in the literature. This variant is reported in 0.0029% of alleles in individuals of Latino descent in gnomAD. At this time, the clinical significance of this variant is uncertain due to the absence of conclusive functional and genetic evidence.

Ambry Genetics
Classification: Uncertain significance for Inborn genetic diseases. Last evaluated: 2025-09-28. Review status: criteria provided, single submitter. Criteria: Ambry Variant Classification Scheme 2023. Collection method: clinical testing. Allele origin: germline.

Labcorp Genetics (formerly Invitae), Labcorp
Classification: Uncertain significance for Cohen syndrome. Last evaluated: 2024-05-16. Review status: criteria provided, single submitter. Criteria: Invitae Variant Classification Sherloc (09022015). Collection method: clinical testing. Allele origin: germline.
Comment: This sequence change replaces proline, which is neutral and non-polar, with serine, which is neutral and polar, at codon 1533 of the VPS13B protein (p.Pro1533Ser). This variant is present in population databases (rs746562006, gnomAD 0.003%). This variant has not been reported in the literature in individuals affected with VPS13B-related conditions. Advanced modeling of protein sequence and biophysical properties (such as structural, functional, and spatial information, amino acid conservation, physicochemical variation, residue mobility, and thermodynamic stability) performed at Invitae indicates that this missense variant is expected to disrupt VPS13B protein function with a positive predictive value of 80%. In summary, the available evidence is currently insufficient to determine the role of this variant in disease. Therefore, it has been classified as a Variant of Uncertain Significance.

NM_152564.5(VPS13B):c.4522C>T (p.Pro1508Ser)

Gene: VPS13B (vacuolar protein sorting 13 homolog B; plus strand). Cytogenetic location: 8q22.2.
Variant type: single nucleotide variant.
Coding change: c.4522C>T on transcript NM_152564.5 (MANE Select); coding-DNA position 4522, C replaced by T.
Protein change: p.Pro1508Ser; replaces proline 1508 with serine.
Molecular consequence: missense variant.
Genome position (GRCh38, 1-based): chr8:99,511,401, C>T. VCF-style: chr8-99511401-C-T. GRCh37 (hg19) VCF-style: chr8-100523629-C-T.
Other names: c.4597C>T, p.Pro1533Ser (NM_017890.5); c.4597C>T (NM_017890.3); short protein forms P1508S, P1533S.
Identifiers: ClinVar variation 3706345 (VCV003706345.4).
Genomic context (GRCh38, chr8:99,511,401, plus strand): 5'-AGTATATTTCAAGCAAAACTACCAAAGACCCAAAAAGAGAAAAGAAAATCTCCTGGTCAG[C>T]CCATGAGGACCCATACACTGACATCCCGCAATTTACCTTTGATTTATGTCAACACAAGTG-3'
Protein context (NP_689777.3, residues 1498-1518): QKEKRKSPGQ[Pro1508Ser]MRTHTLTSRN